The following is an entry in ClinVar:

ClinVar aggregate classification (germline): Uncertain significance. Review status: criteria provided, multiple submitters, no conflicts (2 of 4 stars). 2 submissions from 2 submitters: Uncertain significance (2). Last evaluated 2024-12-30.

Allele frequency attached by ClinVar (database versions not stated): ExAC 0.00001; gnomAD exomes 0.00001; TOPMed 0.00002.
gnomAD v4.1: 7 of 1,614,022 alleles (0.00043%); highest among the groups gnomAD compares: Admixed American, 0.0033%; no homozygotes.

Submissions (2):

Ambry Genetics
Classification: Uncertain significance. Last evaluated: 2024-12-30. Review status: criteria provided, single submitter. Criteria: Ambry Variant Classification Scheme 2023. Collection method: clinical testing. Allele origin: germline.
Comment: The p.N169D variant (also known as c.505A>G), located in coding exon 3 of the GEN1 gene, results from an A to G substitution at nucleotide position 505. The asparagine at codon 169 is replaced by aspartic acid, an amino acid with highly similar properties. This amino acid position is conserved. In addition, this alteration is predicted to be tolerated by in silico analysis. Based on the available evidence, the clinical significance of this variant remains unclear.

Labcorp Genetics (formerly Invitae), Labcorp
Classification: Uncertain significance. Last evaluated: 2023-05-30. Review status: criteria provided, single submitter. Criteria: Invitae Variant Classification Sherloc (09022015). Collection method: clinical testing. Allele origin: germline.
Comment: In summary, the available evidence is currently insufficient to determine the role of this variant in disease. Therefore, it has been classified as a Variant of Uncertain Significance. An algorithm developed to predict the effect of missense changes on protein structure and function (PolyPhen-2) suggests that this variant is likely to be disruptive. This variant has not been reported in the literature in individuals affected with GEN1-related conditions. This variant is present in population databases (rs776290211, gnomAD 0.003%). This sequence change replaces asparagine, which is neutral and polar, with aspartic acid, which is acidic and polar, at codon 169 of the GEN1 protein (p.Asn169Asp).

NM_001130009.3(GEN1):c.505A>G (p.Asn169Asp)

Gene: GEN1 (GEN1 structure-specific endonuclease; plus strand). Cytogenetic location: 2p24.2.
Variant type: single nucleotide variant.
Coding change: c.505A>G on transcript NM_001130009.3 (MANE Select); coding-DNA position 505, A replaced by G.
Protein change: p.Asn169Asp; replaces asparagine 169 with aspartic acid.
Molecular consequence: missense variant.
Genome position (GRCh38, 1-based): chr2:17,765,053, A>G. VCF-style: chr2-17765053-A-G. GRCh37 (hg19) VCF-style: chr2-17946320-A-G.
Other names: c.505A>G, p.Asn169Asp (NM_182625.5); c.505A>G (NM_001130009.1); short protein forms N169D.
Identifiers: ClinVar variation 2886718 (VCV002886718.4), dbSNP rs776290211, ClinGen allele CA1540440.
Genomic context (GRCh38, chr2:17,765,053, plus strand): 5'-GATGGCTGCCTCACCAATGATGGAGATACTTTCCTTTATGGGGCCCAGACTGTTTACAGG[A>G]ATTTCACTATGAATACAAAGGTGTTTATTTTCTTTCTCTTTTTCAGCATTTGTTTACGAA-3'
Protein context (NP_001123481.3, residues 159-179): FLYGAQTVYR[Asn169Asp]FTMNTKDPHV